The following is an entry in ClinVar:

NM_001853.4(COL9A3):c.1303G>A (p.Ala435Thr)

Gene: COL9A3 (collagen type IX alpha 3 chain; plus strand). Cytogenetic location: 20q13.33.
Variant type: single nucleotide variant.
Coding change: c.1303G>A on transcript NM_001853.4 (MANE Select); coding-DNA position 1303, G replaced by A.
Protein change: p.Ala435Thr; replaces alanine 435 with threonine.
Molecular consequence: missense variant.
Genome position (GRCh38, 1-based): chr20:62,832,169, G>A. VCF-style: chr20-62832169-G-A. GRCh37 (hg19) VCF-style: chr20-61463521-G-A.
Other names: short protein forms A435T.
Identifiers: ClinVar variation 3364366 (VCV003364366.1).

ClinVar aggregate classification (germline): Uncertain significance (1 of 4 stars; one submission).

gnomAD v4.1: 5 of 1,612,960 alleles (0.00031%); highest among the groups gnomAD compares: East Asian, 0.0022%; no homozygotes.

Submission:

GeneDx
Classification: Uncertain significance. Last evaluated: 2023-11-16. Review status: criteria provided, single submitter. Criteria: GeneDx Variant Classification Process June 2021. Collection method: clinical testing. Allele origin: germline. Affected: yes.
Comment: Not observed at significant frequency in large population cohorts (gnomAD); In silico analysis supports that this missense variant does not alter protein structure/function; Has not been previously published as pathogenic or benign to our knowledge